The following is an entry in ClinVar:

NM_000059.4(BRCA2):c.4586G>A (p.Gly1529Glu)

Gene: BRCA2 (BRCA2 DNA repair associated; plus strand). Cytogenetic location: 13q13.1.
Variant type: single nucleotide variant.
Coding change: c.4586G>A on transcript NM_000059.4 (MANE Select); coding-DNA position 4586, G replaced by A.
Protein change: p.Gly1529Glu; replaces glycine 1529 with glutamic acid.
Molecular consequence: missense variant.
Genome position (GRCh38, 1-based): chr13:32,338,941, G>A. VCF-style: chr13-32338941-G-A. GRCh37 (hg19) VCF-style: chr13-32913078-G-A.
Other names: short protein forms G1529E.
Identifiers: ClinVar variation 844239 (VCV000844239.11), dbSNP rs2072508418, ClinGen allele CA387781922.

ClinVar aggregate classification (germline): Conflicting classifications of pathogenicity. Review status: criteria provided, conflicting classifications (1 of 4 stars). 2 submissions from 2 submitters: Uncertain significance (1); Likely benign (1). Last evaluated 2023-03-23.

Conditions:
Hereditary cancer-predisposing syndrome. Also called: Hereditary Cancer Syndrome; Hereditary neoplastic syndrome; Tumor predisposition; Neoplastic Syndromes, Hereditary. Identifiers: Orphanet 140162, MedGen C0027672, MeSH D009386, MONDO:0015356.
Hereditary breast ovarian cancer syndrome. Also called: Breast and ovarian cancer; Hereditary breast and ovarian cancer syndrome; Hereditary breast and ovarian cancer syndrome (HBOC); BRCA1- and BRCA2-Associated Hereditary Breast and Ovarian Cancer; Hereditary breast and ovarian cancer; Hereditary breast and/or ovarian cancer syndrome. Identifiers: Orphanet 145, MedGen C0677776, MeSH D061325, MONDO:0003582. Disease mechanism: loss of function.

gnomAD v4.1: 1 of 1,613,822 alleles (0.000062%); highest among the groups gnomAD compares: Non-Finnish European, 0.000085%; no homozygotes.

Submissions (2):

University of Washington Department of Laboratory Medicine, University of Washington
Classification: Likely benign for Hereditary cancer-predisposing syndrome. Last evaluated: 2023-03-23. Review status: criteria provided, single submitter. Criteria: Dines et al. (Genet Med. 2020). Collection method: curation. Allele origin: germline.
Comment: Missense variant in a coldspot region where missense variants are very unlikely to be pathogenic (PMID:31911673).

BRCA2 exon 11 coldspot. Reclassification based on statistical prior probability.

Labcorp Genetics (formerly Invitae), Labcorp
Classification: Uncertain significance for Hereditary breast ovarian cancer syndrome. Last evaluated: 2019-11-22. Review status: criteria provided, single submitter. Criteria: Invitae Variant Classification Sherloc (09022015). Collection method: clinical testing. Allele origin: germline.
Comment: This sequence change replaces glycine with glutamic acid at codon 1529 of the BRCA2 protein (p.Gly1529Glu). The glycine residue is highly conserved and there is a moderate physicochemical difference between glycine and glutamic acid. This variant is not present in population databases (ExAC no frequency). In summary, the available evidence is currently insufficient to determine the role of this variant in disease. Therefore, it has been classified as a Variant of Uncertain Significance. Algorithms developed to predict the effect of missense changes on protein structure and function (SIFT, PolyPhen-2, Align-GVGD) all suggest that this variant is likely to be disruptive, but these predictions have not been confirmed by published functional studies and their clinical significance is uncertain. This variant has not been reported in the literature in individuals with BRCA2-related conditions.